The following is an entry in ClinVar:

GRCh38/hg38 1p36.12(chr1:20482657-21271999)x1

Genes: CAMK2N1 (calcium/calmodulin dependent protein kinase II inhibitor 1; minus strand), CDA (cytidine deaminase; plus strand), DDOST (dolichyl-diphosphooligosaccharide--protein glycosyltransferase non-catalytic subunit; minus strand), ECE1 (endothelin converting enzyme 1; minus strand), EIF4G3 (eukaryotic translation initiation factor 4 gamma 3; minus strand) and 25 more. Cytogenetic location: 1p36.12.
Variant type: copy number loss.
Change: copy number 1 (one copy instead of two) of chr1:20,482,657-21,271,999 (789.3 kb, GRCh38 coordinates, 1-based), cytogenetic band 1p36.12.
Identifiers: ClinVar variation 59925 (VCV000059925.1).

ClinVar aggregate classification (germline): Pathogenic (1 of 4 stars; one submission).

Submission:

ISCA site 15
Classification: Pathogenic. Last evaluated: 2011-08-12. Review status: criteria provided, single submitter. Criteria: Kaminsky et al. (Genet Med. 2011). Collection method: clinical testing. Allele origin: de novo. Affected: yes. Observed: 1 variant allele.
Comment: Copy number variation identified through the course of routine clinical cytogenomic testing in postnatal populations. Clinical assertions have been curated as described in Kaminsky et al. 2011.